The following is an entry in ClinVar:

NM_001130009.3(GEN1):c.1823A>G (p.His608Arg)

Gene: GEN1 (GEN1 structure-specific endonuclease; plus strand). Cytogenetic location: 2p24.2.
Variant type: single nucleotide variant.
Coding change: c.1823A>G on transcript NM_001130009.3 (MANE Select); coding-DNA position 1823, A replaced by G.
Protein change: p.His608Arg; replaces histidine 608 with arginine.
Molecular consequence: missense variant.
Genome position (GRCh38, 1-based): chr2:17,781,035, A>G. VCF-style: chr2-17781035-A-G. GRCh37 (hg19) VCF-style: chr2-17962302-A-G.
Other names: c.1823A>G, p.His608Arg (NM_182625.5); c.1823A>G (NM_001130009.1); short protein forms H608R.
Identifiers: ClinVar variation 1009614 (VCV001009614.9), dbSNP rs1672804612, ClinGen allele CA345926703.
Genomic context (GRCh38, chr2:17,781,035, plus strand): 5'-TTGACTGGGAAGGTACTTCTTTTAGTAATTCTCCAGCTATTCAAAGGAATACTTTTTCTC[A>G]TGATTTAAAATCAGAAGTTGAATCAGAGCTATCAGCCATCCCTGATGGCTTTGAAAATAT-3'
Protein context (NP_001123481.3, residues 598-618): SPAIQRNTFS[His608Arg]DLKSEVESEL

ClinVar aggregate classification (germline): Uncertain significance. Review status: criteria provided, multiple submitters, no conflicts (2 of 4 stars). 2 submissions from 2 submitters: Uncertain significance (2). Last evaluated 2025-01-23.

gnomAD v4.1: 6 of 1,613,864 alleles (0.00037%); highest among the groups gnomAD compares: Admixed American, 0.0033%; no homozygotes.

Submissions (2):

Ambry Genetics
Classification: Uncertain significance. Last evaluated: 2025-01-23. Review status: criteria provided, single submitter. Criteria: Ambry Variant Classification Scheme 2023. Collection method: clinical testing. Allele origin: germline.
Comment: The p.H608R variant (also known as c.1823A>G), located in coding exon 13 of the GEN1 gene, results from an A to G substitution at nucleotide position 1823. The histidine at codon 608 is replaced by arginine, an amino acid with highly similar properties. This amino acid position is conserved. In addition, this alteration is predicted to be tolerated by in silico analysis. Based on the available evidence, the clinical significance of this variant remains unclear.

Labcorp Genetics (formerly Invitae), Labcorp
Classification: Uncertain significance. Last evaluated: 2020-07-13. Review status: criteria provided, single submitter. Criteria: Invitae Variant Classification Sherloc (09022015). Collection method: clinical testing. Allele origin: germline.
Comment: In summary, the available evidence is currently insufficient to determine the role of this variant in disease. Therefore, it has been classified as a Variant of Uncertain Significance. Algorithms developed to predict the effect of missense changes on protein structure and function output the following: SIFT: "Tolerated"; PolyPhen-2: "Benign"; Align-GVGD: "Class C0". The arginine amino acid residue is found in multiple mammalian species, suggesting that this missense change does not adversely affect protein function. These predictions have not been confirmed by published functional studies and their clinical significance is uncertain. This variant has not been reported in the literature in individuals with GEN1-related conditions. This variant is not present in population databases (ExAC no frequency). This sequence change replaces histidine with arginine at codon 608 of the GEN1 protein (p.His608Arg). The histidine residue is weakly conserved and there is a small physicochemical difference between histidine and arginine.